The following is an entry in ClinVar:

ClinVar aggregate classification (germline): Uncertain significance. Review status: criteria provided, multiple submitters, no conflicts (2 of 4 stars). 2 submissions from 2 submitters: Uncertain significance (2). Last evaluated 2025-03-25.

Conditions:
Neutrophil immunodeficiency syndrome. Also called: Immunodeficiency 73A with defective neutrophil chemotaxis and leukocytosis. Identifiers: Orphanet 183707, MedGen C1842398, MONDO:0011988, OMIM 608203.

Allele frequency attached by ClinVar (database versions not stated): gnomAD exomes below 0.00001; TOPMed 0.00001.

Submissions (2):

Labcorp Genetics (formerly Invitae), Labcorp
Classification: Uncertain significance for Neutrophil immunodeficiency syndrome. Last evaluated: 2025-03-25. Review status: criteria provided, single submitter. Criteria: Invitae Variant Classification Sherloc (09022015). Collection method: clinical testing. Allele origin: germline.
Comment: This sequence change replaces isoleucine, which is neutral and non-polar, with valine, which is neutral and non-polar, at codon 110 of the RAC2 protein (p.Ile110Val). This variant is present in population databases (no rsID available, gnomAD 0.0009%). This variant has not been reported in the literature in individuals affected with RAC2-related conditions. ClinVar contains an entry for this variant (Variation ID: 1301643). Invitae Evidence Modeling of protein sequence and biophysical properties (such as structural, functional, and spatial information, amino acid conservation, physicochemical variation, residue mobility, and thermodynamic stability) indicates that this missense variant is not expected to disrupt RAC2 protein function with a negative predictive value of 95%. In summary, the available evidence is currently insufficient to determine the role of this variant in disease. Therefore, it has been classified as a Variant of Uncertain Significance.

Dubai Health Genomic Medicine Center, Dubai Health
Classification: Uncertain significance for Neutrophil immunodeficiency syndrome. Last evaluated: 2020-03-30. Review status: criteria provided, single submitter. Criteria: ACMG Guidelines, 2015. Collection method: clinical testing. Allele origin: germline. Affected: yes.
Comment: The p.Ile110Val missense variant in RAC2 has not been previously reported in individuals with disease but was identified in 1/113604 European (Non-Finnish) alleles in the Genome Aggregation Database (gnomAD). Computational prediction tools and conservation analyses do not provide evidence for or against pathogenicity. In summary additional information is needed to fully assess the clinical significance of this variant. Polymorphisms in RAC2 have been associated with susceptibility to Crohn's disease (PMID: 21900546). Rac2 knockout mice develop more severe disease when subjected to a C. rodentium-induced model of infectious colitis compared with wild-type mice suggesting that impaired Rac2 function may promote the development of IBD [PMID: 23613889].

NM_002872.5(RAC2):c.328A>G (p.Ile110Val)

Gene: RAC2 (Rac family small GTPase 2; minus strand). Cytogenetic location: 22q13.1.
Variant type: single nucleotide variant.
Coding change: c.328A>G on transcript NM_002872.5 (MANE Select); coding-DNA position 328, A replaced by G.
Protein change: p.Ile110Val; replaces isoleucine 110 with valine.
Molecular consequence: missense variant.
Genome position (GRCh38, 1-based): chr22:37,231,351, T>C on the plus strand (A>G on the coding strand, the complement: RAC2 is on the minus strand). VCF-style: chr22-37231351-T-C. GRCh37 (hg19) VCF-style: chr22-37627391-T-C.
Other names: short protein forms I110V.
Identifiers: ClinVar variation 1301643 (VCV001301643.5), dbSNP rs1248326902, ClinGen allele CA411443054.